The following is an entry in ClinVar:

ClinVar aggregate classification (germline): Benign/Likely benign. Review status: criteria provided, multiple submitters, no conflicts (2 of 4 stars). 2 submissions from 2 submitters: Benign (1); Likely benign (1). Last evaluated 2024-07-19.

Conditions:
Ataxia-telangiectasia syndrome (AT). Also called: Ataxia-telangiectasia; Ataxia-telangiectasia, complementation group D; AT, COMPLEMENTATION GROUP C; Ataxia-telangiectasia, complementation group E; LOUIS-BAR SYNDROME; Cerebello-oculocutaneous telangiectasia. Identifiers: Orphanet 100, MedGen C0004135, MONDO:0008840, OMIM 208900.
Familial cancer of breast. Also called: hereditary breast carcinoma; BREAST CANCER, FAMILIAL; Hereditary breast cancer. Identifiers: Orphanet 227535, MedGen C0346153, MONDO:0016419, OMIM 114480. Disease mechanism: loss of function.

Submissions (2):

Labcorp Genetics (formerly Invitae), Labcorp
Classification: Likely benign for Ataxia-telangiectasia syndrome. Last evaluated: 2024-07-19. Review status: criteria provided, single submitter. Criteria: Invitae Variant Classification Sherloc (09022015). Collection method: clinical testing. Allele origin: germline.

Myriad Genetics, Inc.
Classification: Benign for Familial cancer of breast. Last evaluated: 2024-06-13. Review status: criteria provided, single submitter. Criteria: Myriad Autosomal Dominant, Autosomal Recessive and X-Linked Classification Criteria (2023). Collection method: clinical testing. Allele origin: unknown.
Comment: This variant is considered benign. This variant is a silent/synonymous amino acid change and it is not expected to impact splicing.

NM_000051.4(ATM):c.7146A>G (p.Gly2382=)

Genes: ATM (ATM serine/threonine kinase; plus strand), C11orf65 (chromosome 11 open reading frame 65; minus strand). Cytogenetic location: 11q22.3.
Variant type: single nucleotide variant.
Coding change: c.7146A>G on transcript NM_000051.4 (MANE Select); coding-DNA position 7146, A replaced by G.
Protein change: p.Gly2382=; no amino-acid change (glycine 2382 retained).
Molecular consequence: synonymous variant. On other transcripts: intron variant (2).
Genome position (GRCh38, 1-based): chr11:108,329,077, A>G. VCF-style: chr11-108329077-A-G. GRCh37 (hg19) VCF-style: chr11-108199804-A-G.
Other names: c.7146A>G, p.Gly2382= (NM_001351834.2); c.641-20006T>C (NM_001330368.2); c.*38+6143T>C (NM_001351110.2).
Identifiers: ClinVar variation 3254491 (VCV003254491.3), dbSNP rs2136413556.